The following is an entry in ClinVar:

NM_002878.4(RAD51D):c.738+9G>A

Genes: RAD51L3-RFFL (RAD51L3-RFFL readthrough; minus strand), RAD51D (RAD51 paralog D; minus strand). Cytogenetic location: 17q12.
Variant type: single nucleotide variant.
Coding change: c.738+9G>A on transcript NM_002878.4 (MANE Select); 9 bases into the intron after coding-DNA position 738, G replaced by A.
Molecular consequence: intron variant.
Genome position (GRCh38, 1-based): chr17:35,103,245, C>T on the plus strand (G>A on the coding strand, the complement: RAD51D is on the minus strand). VCF-style: chr17-35103245-C-T. GRCh37 (hg19) VCF-style: chr17-33430264-C-T.
Other names: c.402+9G>A (NM_133629.3); c.798+9G>A (NM_001142571.2).
Identifiers: ClinVar variation 3903753 (VCV003903753.1).
Genomic context (GRCh38, chr17:35,103,245, plus strand): 5'-ACATTTAAGGGAAATAAAGAGCTCGCAATAACTAGAAATCAAGTTCATTGGCCAAGCCTG[C>T]TTCCTCACCACCACTGCCATGCCAAGGTCCCGGGCCAGGGTCTTCAGCTCTCGGGCCAGC-3'

ClinVar aggregate classification (germline): Likely benign (1 of 4 stars; one submission).

Conditions:
Breast-ovarian cancer, familial, susceptibility to, 4. Identifiers: Orphanet 145, MedGen C3280345, MONDO:0013669, OMIM 614291.

gnomAD v4.1: 1 of 1,605,608 alleles (0.000062%); highest among the groups gnomAD compares: African/African-American, 0.0013%; no homozygotes.

Submission:

Myriad Genetics, Inc.
Classification: Likely benign for Breast-ovarian cancer, familial, susceptibility to, 4. Last evaluated: 2025-02-24. Review status: criteria provided, single submitter. Criteria: Myriad Autosomal Dominant, Autosomal Recessive and X-Linked Classification Criteria (2023). Collection method: clinical testing. Allele origin: unknown.
Comment: This variant is considered likely benign. This variant is intronic and is not expected to impact mRNA splicing.